The following is an entry in ClinVar:

ClinVar aggregate classification (germline): Likely benign. Review status: criteria provided, multiple submitters, no conflicts (2 of 4 stars). 3 submissions from 3 submitters: Likely benign (2). 1 of the submissions does not count toward it. Last evaluated 2025-11-23.

Conditions:
SETBP1-related disorder. Also called: SETBP1-related condition; SETBP1-related disorders.

gnomAD v4.1: 52 of 1,442,222 alleles (0.0036%); highest among the groups gnomAD compares: African/African-American, 0.07%; no homozygotes.

Submissions (3):

Labcorp Genetics (formerly Invitae), Labcorp
Classification: Likely benign. Last evaluated: 2025-11-23. Review status: criteria provided, single submitter. Criteria: Invitae Variant Classification Sherloc (09022015). Collection method: clinical testing. Allele origin: germline.

GeneDx
Classification: Likely benign. Last evaluated: 2021-03-22. Review status: criteria provided, single submitter. Criteria: GeneDx Variant Classification Process June 2021. Collection method: clinical testing. Allele origin: germline. Affected: yes.

PreventionGenetics, part of Exact Sciences
Classification: Likely benign for SETBP1-related condition. Last evaluated: 2019-03-28. Review status: no assertion criteria provided. Collection method: clinical testing. Allele origin: germline. Not counted in ClinVar's aggregate classification.
Comment: This variant is classified as likely benign based on ACMG/AMP sequence variant interpretation guidelines (Richards et al. 2015 PMID: 25741868, with internal and published modifications).

NM_015559.3(SETBP1):c.4566G>A (p.Leu1522=)

Gene: SETBP1 (SET binding protein 1; plus strand). Cytogenetic location: 18q12.3.
Variant type: single nucleotide variant.
Coding change: c.4566G>A on transcript NM_015559.3 (MANE Select); coding-DNA position 4566, G replaced by A.
Protein change: p.Leu1522=; no amino-acid change (leucine 1522 retained).
Molecular consequence: synonymous variant.
Genome position (GRCh38, 1-based): chr18:45,063,473, G>A. VCF-style: chr18-45063473-G-A. GRCh37 (hg19) VCF-style: chr18-42643438-G-A.
Other names: c.4566G>A, p.Leu1522= (NM_001379141.1, NM_001379142.1).
Identifiers: ClinVar variation 1300474 (VCV001300474.11), dbSNP rs912711266, ClinGen allele CA299946197.